The following is an entry in ClinVar:

NM_004208.4(AIFM1):c.597A>G (p.Lys199=)

Genes: RAB33A (RAB33A, member RAS oncogene family; plus strand), AIFM1 (apoptosis inducing factor mitochondria associated 1; minus strand). Cytogenetic location: Xq26.1.
Variant type: single nucleotide variant.
Coding change: c.597A>G on transcript NM_004208.4 (MANE Select); coding-DNA position 597, A replaced by G.
Protein change: p.Lys199=; no amino-acid change (lysine 199 retained).
Molecular consequence: synonymous variant. On other transcripts: non-coding transcript variant (1).
Genome position (GRCh38, 1-based): chrX:130,147,501, T>C on the plus strand (A>G on the coding strand, the complement: AIFM1 is on the minus strand). VCF-style: chrX-130147501-T-C. GRCh37 (hg19) VCF-style: chrX-129281476-T-C.
Other names: c.597A>G, p.Lys199= (NM_001130847.4); c.585A>G, p.Lys195= (NM_145812.3).
Identifiers: ClinVar variation 913255 (VCV000913255.15), dbSNP rs143670174, ClinGen allele CA10515433.

ClinVar aggregate classification (germline): Benign/Likely benign. Review status: criteria provided, multiple submitters, no conflicts (2 of 4 stars). 4 submissions from 4 submitters: Benign (2); Likely benign (1). 1 of the submissions does not count toward it. Last evaluated 2026-01-26.

Conditions:
Combined oxidative phosphorylation deficiency. Identifiers: MedGen C4540031, MONDO:0000732.
Charcot-Marie-Tooth Neuropathy X. Identifiers: MedGen CN118851.
AIFM1-related disorder. Also called: AIFM1-related condition.
Severe X-linked mitochondrial encephalomyopathy. Also called: ENCEPHALOMYOPATHY, MITOCHONDRIAL, X-LINKED. Identifiers: Orphanet 238329, MedGen C3151753, MONDO:0010437, OMIM 300816.
Charcot-Marie-Tooth disease X-linked recessive 4 (CMTX4). Also called: Cowchock syndrome; CHARCOT-MARIE-TOOTH DISEASE, X-LINKED RECESSIVE, 4, WITH OR WITHOUT CEREBELLAR ATAXIA; CHARCOT-MARIE-TOOTH DISEASE WITH DEAFNESS AND MENTAL RETARDATION. Identifiers: Orphanet 101078, MedGen C0795910, MONDO:0010689, OMIM 310490.
Spondyloepimetaphyseal dysplasia, Bieganski type. Also called: Leukoencephalopathy with metaphyseal chondrodysplasia; Spondyloepimetaphyseal dysplasia, X-linked, with hypomyelinating leukodystrophy; SEMD X-linked with mental deterioration. Identifiers: Orphanet 168448, Orphanet 83629, MedGen C1846148, MONDO:0010275, OMIM 300232.
Deafness, X-linked 5 (DFNX5). Also called: AUDITORY NEUROPATHY, X-LINKED, 1, WITH PERIPHERAL SENSORY NEUROPATHY; DEAFNESS, X-LINKED 5, WITH PERIPHERAL NEUROPATHY. Identifiers: Orphanet 139583, MedGen C1845095, OMIM 300614.

Allele frequency attached by ClinVar (database versions not stated): 1000 Genomes Project 30x 0.00021; 1000 Genomes Project 0.00026; TOPMed 0.00033.
gnomAD v4.1: 101 of 1,210,423 alleles (0.0083%); highest among the groups gnomAD compares: East Asian, 0.27%; no homozygotes.

Submissions (4):

Labcorp Genetics (formerly Invitae), Labcorp
Classification: Benign for Charcot-Marie-Tooth Neuropathy X; Combined oxidative phosphorylation deficiency. Last evaluated: 2026-01-26. Review status: criteria provided, single submitter. Criteria: Invitae Variant Classification Sherloc (09022015). Collection method: clinical testing. Allele origin: germline.

Fulgent Genetics
Classification: Likely benign for Spondyloepimetaphyseal dysplasia, Bieganski type; Deafness, X-linked 5; Severe X-linked mitochondrial encephalomyopathy; Charcot-Marie-Tooth disease X-linked recessive 4. Last evaluated: 2022-02-25. Review status: criteria provided, single submitter. Criteria: ACMG Guidelines, 2015. Collection method: clinical testing. Allele origin: unknown.

Illumina Laboratory Services, Illumina
Classification: Benign for Severe X-linked mitochondrial encephalomyopathy. Last evaluated: 2018-01-12. Review status: criteria provided, single submitter. Criteria: ICSL Variant Classification Criteria 13 December 2019. Collection method: clinical testing. Allele origin: germline.
Comment: This variant was observed in the ICSL laboratory as part of a predisposition screen in an ostensibly healthy population. It had not been previously curated by ICSL or reported in the Human Gene Mutation Database (HGMD: prior to June 1st, 2018), and was therefore a candidate for classification through an automated scoring system. Utilizing variant allele frequency, disease prevalence and penetrance estimates, and inheritance mode, an automated score was calculated to assess if this variant is too frequent to cause the disease. Based on the score and internal cut-off values, a variant classified as benign is not then subjected to further curation. The score for this variant resulted in a classification of benign for this disease.

PreventionGenetics, part of Exact Sciences
Classification: Likely benign for AIFM1-related condition. Last evaluated: 2019-04-01. Review status: no assertion criteria provided. Collection method: clinical testing. Allele origin: germline. Not counted in ClinVar's aggregate classification.
Comment: This variant is classified as likely benign based on ACMG/AMP sequence variant interpretation guidelines (Richards et al. 2015 PMID: 25741868, with internal and published modifications).